The following is an entry in ClinVar:

ClinVar aggregate classification (germline): Uncertain significance. Review status: criteria provided, multiple submitters, no conflicts (2 of 4 stars). 7 submissions from 7 submitters: Uncertain significance (6). 1 of the submissions does not count toward it. Last evaluated 2025-11-24.

Conditions:
Hereditary cancer-predisposing syndrome. Also called: Tumor predisposition; Hereditary neoplastic syndrome; Neoplastic Syndromes, Hereditary; Hereditary Cancer Syndrome. Identifiers: Orphanet 140162, MedGen C0027672, MeSH D009386, MONDO:0015356.
Bloom syndrome (BLM). Also called: Bloom-Torre-Machacek syndrome. Identifiers: Orphanet 125, MedGen C0005859, MONDO:0008876, OMIM 210900.

Allele frequency attached by ClinVar (database versions not stated): gnomAD 0.00001; gnomAD exomes 0.00001 and 0.00002; TOPMed 0.00001; ExAC 0.00002.
gnomAD v4.1: 12 of 1,612,840 alleles (0.00074%); highest among the groups gnomAD compares: Non-Finnish European, 0.00042%; no homozygotes.

Submissions (7):

Labcorp Genetics (formerly Invitae), Labcorp
Classification: Uncertain significance for Bloom syndrome. Last evaluated: 2025-11-24. Review status: criteria provided, single submitter. Criteria: Invitae Variant Classification Sherloc (09022015). Collection method: clinical testing. Allele origin: germline.
Comment: This sequence change replaces glutamic acid, which is acidic and polar, with glutamine, which is neutral and polar, at codon 1251 of the BLM protein (p.Glu1251Gln). This variant also falls at the last nucleotide of exon 19, which is part of the consensus splice site for this exon. This variant is present in population databases (rs587779888, gnomAD 0.01%). This variant has not been reported in the literature in individuals affected with BLM-related conditions. ClinVar contains an entry for this variant (Variation ID: 127504). An algorithm developed to predict the effect of missense changes on protein structure and function (PolyPhen-2) suggests that this variant is likely to be disruptive. Variants that disrupt the consensus splice site are a relatively common cause of aberrant splicing (PMID: 17576681, 9536098). Studies have shown that this missense change is associated with inconclusive levels of altered splicing (internal data). In summary, the available evidence is currently insufficient to determine the role of this variant in disease. Therefore, it has been classified as a Variant of Uncertain Significance.

Ambry Genetics
Classification: Uncertain significance for Hereditary cancer-predisposing syndrome. Last evaluated: 2024-05-01. Review status: criteria provided, single submitter. Criteria: Ambry Variant Classification Scheme 2023. Collection method: clinical testing. Allele origin: germline.
Comment: The p.E1251Q variant (also known as c.3751G>C), located in coding exon 18 of the BLM gene, results from a G to C substitution at nucleotide position 3751. The amino acid change results in glutamic acid to glutamine at codon 1251, an amino acid with highly similar properties. However, this change occurs in the last base pair of coding exon 18, which makes it likely to have some effect on normal mRNA splicing; however, direct evidence is insufficient at this time (Ambry internal data). This nucleotide position is highly conserved in available vertebrate species. This amino acid position is highly conserved in available vertebrate species. In silico splice site analysis predicts that this alteration will weaken the native splice donor site. In addition, as a missense substitution this is predicted to be tolerated by in silico analysis. Since supporting evidence is limited at this time, the clinical significance of this alteration remains unclear.

Blueprint Genetics
Classification: Uncertain significance. Last evaluated: 2023-08-18. Review status: criteria provided, single submitter. Criteria: ACMG Guidelines, 2015. Collection method: clinical testing. Allele origin: germline.

Fulgent Genetics
Classification: Uncertain significance for Bloom syndrome. Last evaluated: 2022-01-06. Review status: criteria provided, single submitter. Criteria: ACMG Guidelines, 2015. Collection method: clinical testing. Allele origin: unknown.

Sema4
Classification: Uncertain significance for Hereditary cancer-predisposing syndrome. Last evaluated: 2021-11-03. Review status: criteria provided, single submitter. Criteria: Sema4 Curation Guidelines. Collection method: curation. Allele origin: germline.
Comment: The BLM c.3751G>C (p.E1251Q) variant has not been reported in literature to our knowledge. This variant was observed in 1/10074 chromosomes in Ashkenazi Jewish population according to the Genome Aggregation Database (PMID: 32461654) and has been reported in ClinVar (Variation ID 127504). In silico tools suggest the impact of the variant on protein function is inconclusive. This variant is located at the last nucleotide of exon 19. In silico tools that predict the effect on splicing suggest that this variant may impact splicing. Please note in silico predictions have not been confirmed by functional studies. Based on the available evidence, the variant was classified as a variant of uncertain significance.

GeneDx
Classification: Uncertain significance. Last evaluated: 2019-02-19. Review status: criteria provided, single submitter. Criteria: GeneDx Variant Classification Process June 2021. Collection method: clinical testing. Allele origin: germline. Affected: yes.
Comment: Not observed at a significant frequency in large population cohorts (Lek 2016); Observed in an individual undergoing multi-gene panel testing for personal history of cancer (Mandelker 2017); This variant is associated with the following publications: (PMID: 28873162)

Natera, Inc.
Classification: Uncertain significance for Bloom syndrome. Last evaluated: 2019-03-15. Review status: no assertion criteria provided. Collection method: clinical testing. Allele origin: germline. Not counted in ClinVar's aggregate classification.

Literature cited by the submitters: PubMed 17576681 (cited by Labcorp Genetics (formerly Invitae), Labcorp); PubMed 9536098 (cited by Labcorp Genetics (formerly Invitae), Labcorp).

NM_000057.4(BLM):c.3751G>C (p.Glu1251Gln)

Gene: BLM (BLM RecQ like helicase; plus strand). Cytogenetic location: 15q26.1.
Variant type: single nucleotide variant.
Coding change: c.3751G>C on transcript NM_000057.4 (MANE Select); coding-DNA position 3751, G replaced by C.
Protein change: p.Glu1251Gln; replaces glutamic acid 1251 with glutamine.
Molecular consequence: missense variant. On other transcripts: intron variant (1).
Genome position (GRCh38, 1-based): chr15:90,804,359, G>C. VCF-style: chr15-90804359-G-C. GRCh37 (hg19) VCF-style: chr15-91347589-G-C.
Other names: p.E1251Q:GAA>CAA; c.3751G>C (LRG_20t1); c.3751G>C, p.Glu1251Gln (NM_001287246.2); c.2626G>C, p.Glu876Gln (NM_001287248.2); c.3359-4778G>C (NM_001287247.2); short protein forms E1251Q, E876Q.
Identifiers: ClinVar variation 127504 (VCV000127504.20), dbSNP rs587779888, ClinGen allele CA287115.